The following is an entry in ClinVar:

ClinVar aggregate classification (germline): Uncertain significance (1 of 4 stars; one submission).

Conditions:
Inborn genetic diseases. Identifiers: MedGen C0950123, MeSH D030342.

Allele frequency attached by ClinVar (database versions not stated): TOPMed below 0.00001.

Submission:

Ambry Genetics
Classification: Uncertain significance for Inborn genetic diseases. Last evaluated: 2021-07-09. Review status: criteria provided, single submitter. Criteria: Ambry Variant Classification Scheme 2023. Collection method: clinical testing. Allele origin: germline.
Comment: The p.P31R variant (also known as c.92C>G), located in coding exon 2 of the BUB1B gene, results from a C to G substitution at nucleotide position 92. The proline at codon 31 is replaced by arginine, an amino acid with dissimilar properties. This amino acid position is conserved. In addition, this alteration is predicted to be deleterious by in silico analysis. Since supporting evidence is limited at this time, the clinical significance of this alteration remains unclear.

NM_001211.6(BUB1B):c.92C>G (p.Pro31Arg)

Gene: BUB1B (BUB1 mitotic checkpoint serine/threonine kinase B; plus strand). Cytogenetic location: 15q15.1.
Variant type: single nucleotide variant.
Coding change: c.92C>G on transcript NM_001211.6 (MANE Select); coding-DNA position 92, C replaced by G.
Protein change: p.Pro31Arg; replaces proline 31 with arginine.
Molecular consequence: missense variant.
Genome position (GRCh38, 1-based): chr15:40,165,109, C>G. VCF-style: chr15-40165109-C-G. GRCh37 (hg19) VCF-style: chr15-40457310-C-G.
Other names: short protein forms P31R.
Identifiers: ClinVar variation 1766479 (VCV001766479.2), dbSNP rs1417220294, ClinGen allele CA391677057.
Genomic context (GRCh38, chr15:40,165,109, plus strand): 5'-ACAGTGAAGCCATGTCCCTGGAGGGAGATGAATGGGAACTGAGTAAAGAAAATGTACAAC[C>G]TTTAAGGCAAGGGCGGATCATGTCCACGCTTCAGGGAGCACTGGCACAAGAATCTGCCTG-3'
Protein context (NP_001202.5, residues 21-41): EWELSKENVQ[Pro31Arg]LRQGRIMSTL